The following is an entry in ClinVar:

ClinVar aggregate classification (germline): Benign. Review status: reviewed by expert panel (3 of 4 stars). 5 submissions from 5 submitters: Benign (1). 4 of the submissions do not count toward it. Last evaluated 2024-08-20.

Conditions:
Arginine:glycine amidinotransferase deficiency (CCDS3). Also called: AGAT deficiency; L-Arginine:Glycine Amidinotransferase (AGAT) Deficiency; Cerebral creatine deficiency syndrome 3; L-Arginine:Glycine Amidinotransferase Deficiency; Creatine deficiency syndrome due to AGAT deficiency; GATM deficiency. Identifiers: Orphanet 35704, MedGen C2675179, MONDO:0012996, OMIM 612718.
Fanconi renotubular syndrome 1. Also called: FRTS1; Toni-Debre-Fanconi syndrome; Neonatal De Toni-Debre-Fanconi syndrome; De Toni-Fanconi syndrome; LUDER-SHELDON SYNDROME. Identifiers: MedGen C4551503, MONDO:0024525, OMIM 134600.

Allele frequency attached by ClinVar (database versions not stated): gnomAD 0.00003 and 0.00004; TOPMed 0.00003; ExAC 0.00004; gnomAD exomes 0.00004 and 0.00006.
gnomAD v4.1: 62 of 1,613,468 alleles (0.0038%); highest among the groups gnomAD compares: East Asian, 0.11%; no homozygotes.

Submissions (5):

ClinGen Cerebral Creatine Deficiency Syndromes Variant Curation Expert Panel, ClinGen
Classification: Benign for Arginine:glycine amidinotransferase deficiency. Last evaluated: 2024-08-20. Review status: reviewed by expert panel. Criteria: ClinGen_CCDS_ACMG_Specifications_GATM_v1.1. Collection method: curation. Allele origin: germline. Inheritance: Autosomal recessive inheritance.
Comment: The NM_001482.3:c.1030A>G variant in GATM is a missense variant predicted to cause the substitution of an isoleucine by a valine at amino acid position 344 (p.Ile344Val). To our knowledge, this variant has not been reported in the literature and results of functional studies are unavailable. The highest population minor allele frequency in gnomAD v2.1.1 is 0.00080 (16/19954 alleles) in the East Asian population, which is higher than the ClinGen CCDS VCEP’s threshold for BA1 (>0.0005), and therefore meets this criterion (BA1). The computational predictor REVEL gives a score of 0.056 which is below the threshold of 0.15, evidence that does not predict a damaging effect on AGAT function (BP4). There is a ClinVar entry for this variant (Variation ID: 205608). In summary, this variant meets the criteria to be classified as benign for AGAT deficiency based on the ACMG/AMP criteria applied, as specified by the ClinGen Cerebral Creatine Deficiency Syndromes Variant Curation Expert Panel (Specifications Version 1.1.0): BA1, BP4. (Classification approved by the ClinGen Cerebral Creatine Deficiency Syndromes Variant Curation Expert Panel on August 20, 2024).

Labcorp Genetics (formerly Invitae), Labcorp
Classification: Likely benign for Arginine:glycine amidinotransferase deficiency. Last evaluated: 2025-12-30. Review status: criteria provided, single submitter. Criteria: Invitae Variant Classification Sherloc (09022015). Collection method: clinical testing. Allele origin: germline. Not counted in ClinVar's aggregate classification.

Fulgent Genetics
Classification: Uncertain significance for Fanconi renotubular syndrome 1; Arginine:glycine amidinotransferase deficiency. Last evaluated: 2024-06-10. Review status: criteria provided, single submitter. Criteria: ACMG Guidelines, 2015. Collection method: clinical testing. Allele origin: germline. Not counted in ClinVar's aggregate classification.

GeneDx
Classification: Likely benign. Last evaluated: 2021-06-17. Review status: criteria provided, single submitter. Criteria: GeneDx Variant Classification Process June 2021. Collection method: clinical testing. Allele origin: germline. Affected: yes. Not counted in ClinVar's aggregate classification.

Illumina Laboratory Services, Illumina
Classification: Uncertain significance for Arginine:glycine amidinotransferase deficiency. Last evaluated: 2018-01-12. Review status: criteria provided, single submitter. Criteria: ICSL Variant Classification Criteria 13 December 2019. Collection method: clinical testing. Allele origin: germline. Not counted in ClinVar's aggregate classification.

NM_001482.3(GATM):c.1030A>G (p.Ile344Val)

Gene: GATM (glycine amidinotransferase; minus strand). Cytogenetic location: 15q21.1.
Variant type: single nucleotide variant.
Coding change: c.1030A>G on transcript NM_001482.3 (MANE Select); coding-DNA position 1030, A replaced by G.
Protein change: p.Ile344Val; replaces isoleucine 344 with valine.
Molecular consequence: missense variant.
Genome position (GRCh38, 1-based): chr15:45,364,809, T>C on the plus strand (A>G on the coding strand, the complement: GATM is on the minus strand). VCF-style: chr15-45364809-T-C. GRCh37 (hg19) VCF-style: chr15-45657007-T-C.
Other names: p.I344V:ATC>GTC; NM_001482.3(GATM):c.1030A>G; p.Ile344Val; c.643A>G, p.Ile215Val (NM_001321015.2); short protein forms I344V, I215V.
Identifiers: ClinVar variation 205608 (VCV000205608.18), dbSNP rs747608698, ClinGen allele CA314859.